The following is an entry in ClinVar:

NM_004341.5(CAD):c.3884G>A (p.Arg1295His)

Gene: CAD (carbamoyl-phosphate synthetase 2, aspartate transcarbamylase, and dihydroorotase; plus strand). Cytogenetic location: 2p23.3.
Variant type: single nucleotide variant.
Coding change: c.3884G>A on transcript NM_004341.5 (MANE Select); coding-DNA position 3884, G replaced by A.
Protein change: p.Arg1295His; replaces arginine 1295 with histidine.
Molecular consequence: missense variant.
Genome position (GRCh38, 1-based): chr2:27,235,342, G>A. VCF-style: chr2-27235342-G-A. GRCh37 (hg19) VCF-style: chr2-27458210-G-A.
Other names: c.3695G>A, p.Arg1232His (NM_001306079.2); c.3884G>A (NM_004341.3); short protein forms R1295H, R1232H.
Identifiers: ClinVar variation 591275 (VCV000591275.4), dbSNP rs1211373184, ClinGen allele CA346217141.

ClinVar aggregate classification (germline): Uncertain significance. Review status: criteria provided, multiple submitters, no conflicts (2 of 4 stars). 3 submissions from 3 submitters: Uncertain significance (2). 1 of the submissions does not count toward it. Last evaluated 2023-12-06.

Allele frequency attached by ClinVar (database versions not stated): TOPMed below 0.00001; gnomAD 0.00001; gnomAD exomes 0.00001.
gnomAD v4.1: 5 of 1,613,912 alleles (0.00031%); highest among the groups gnomAD compares: African/African-American, 0.0013%; no homozygotes.

Submissions (3):

GeneDx
Classification: Uncertain significance. Last evaluated: 2023-12-06. Review status: criteria provided, single submitter. Criteria: GeneDx Variant Classification Process June 2021. Collection method: clinical testing. Allele origin: germline. Affected: yes.
Comment: Not observed at significant frequency in large population cohorts (gnomAD); In silico analysis supports that this missense variant has a deleterious effect on protein structure/function; Has not been previously published as pathogenic or benign to our knowledge

Labcorp Genetics (formerly Invitae), Labcorp
Classification: Uncertain significance. Last evaluated: 2022-06-23. Review status: criteria provided, single submitter. Criteria: Invitae Variant Classification Sherloc (09022015). Collection method: clinical testing. Allele origin: germline.
Comment: This sequence change replaces arginine, which is basic and polar, with histidine, which is basic and polar, at codon 1295 of the CAD protein (p.Arg1295His). This variant is not present in population databases (gnomAD no frequency). This variant has not been reported in the literature in individuals affected with CAD-related conditions. ClinVar contains an entry for this variant (Variation ID: 591275). Algorithms developed to predict the effect of missense changes on protein structure and function are either unavailable or do not agree on the potential impact of this missense change (SIFT: "Deleterious"; PolyPhen-2: "Benign"; Align-GVGD: "Class C0"). In summary, the available evidence is currently insufficient to determine the role of this variant in disease. Therefore, it has been classified as a Variant of Uncertain Significance.

Gharavi Laboratory, Columbia University
Classification: Uncertain significance. Last evaluated: 2018-09-16. Review status: no assertion criteria provided. Criteria: ACMG Guidelines, 2015. Collection method: research. Allele origin: germline. Affected: yes. Not counted in ClinVar's aggregate classification.